The following is an entry in ClinVar:

NM_032737.4(LMNB2):c.558+5G>A

Gene: LMNB2 (lamin B2; minus strand). Cytogenetic location: 19p13.3.
Variant type: single nucleotide variant.
Coding change: c.558+5G>A on transcript NM_032737.4 (MANE Select); 5 bases into the intron after coding-DNA position 558, G replaced by A.
Molecular consequence: intron variant.
Genome position (GRCh38, 1-based): chr19:2,438,370, C>T on the plus strand (G>A on the coding strand, the complement: LMNB2 is on the minus strand). VCF-style: chr19-2438370-C-T. GRCh37 (hg19) VCF-style: chr19-2438368-C-T.
Identifiers: ClinVar variation 475785 (VCV000475785.6), dbSNP rs747264492, ClinGen allele CA9067859.
Genomic context (GRCh38, chr19:2,438,370, plus strand): 5'-GCTGGTGTGACAATCTGTCTGTTGCATATACCCTGCTGGGGCGTCCCGTGGCTCCTGGCA[C>T]CTACCTTGGCCAGCTGGGCCCGCAGCTCAGCCACGTCACTCTCCAGGCCGCGCTTGTCGC-3'

ClinVar aggregate classification (germline): Uncertain significance (1 of 4 stars; one submission).

Conditions:
Lipodystrophy, partial, acquired, susceptibility to (APLD). Also called: APLD, SUSCEPTIBILITY TO. Identifiers: MedGen C3887501, MONDO:0100476, OMIM 608709.
Progressive myoclonic epilepsy type 9. Identifiers: Orphanet 457265, MedGen C4225289, MONDO:0014685, OMIM 616540.

Allele frequency attached by ClinVar (database versions not stated): gnomAD exomes 0.00002; ExAC 0.00003.
gnomAD v4.1: 7 of 1,613,106 alleles (0.00043%); highest among the groups gnomAD compares: South Asian, 0.0066%; no homozygotes.

Submission:

Labcorp Genetics (formerly Invitae), Labcorp
Classification: Uncertain significance for Progressive myoclonic epilepsy type 9; Lipodystrophy, partial, acquired, susceptibility to. Last evaluated: 2022-06-13. Review status: criteria provided, single submitter. Criteria: Invitae Variant Classification Sherloc (09022015). Collection method: clinical testing. Allele origin: germline.
Comment: In summary, the available evidence is currently insufficient to determine the role of this variant in disease. Therefore, it has been classified as a Variant of Uncertain Significance. Variants that disrupt the consensus splice site are a relatively common cause of aberrant splicing (PMID: 17576681, 9536098). Algorithms developed to predict the effect of sequence changes on RNA splicing suggest that this variant is not likely to affect RNA splicing. ClinVar contains an entry for this variant (Variation ID: 475785). This variant has not been reported in the literature in individuals affected with LMNB2-related conditions. This variant is present in population databases (rs747264492, gnomAD 0.01%). This sequence change falls in intron 3 of the LMNB2 gene. It does not directly change the encoded amino acid sequence of the LMNB2 protein. It affects a nucleotide within the consensus splice site.

Literature cited by the submitters: PubMed 17576681; PubMed 9536098.